The following is an entry in ClinVar:

ClinVar aggregate classification (germline): Uncertain significance. Review status: criteria provided, single submitter (1 of 4 stars). 2 submissions from 2 submitters: Uncertain significance (1). 1 of the submissions does not count toward it. Last evaluated 2023-07-06.

Conditions:
Long QT syndrome (LQTS). Identifiers: MedGen C0023976, MeSH D008133, MONDO:0002442. Disease mechanism: loss of function. Inheritance: Various modes of inheritance.
Timothy syndrome (TS). Also called: LONG QT SYNDROME WITH SYNDACTYLY. Identifiers: Orphanet 65283, MedGen C1832916, MeSH C536962, MONDO:0010979, OMIM 601005.

gnomAD v4.1: 4 of 1,576,152 alleles (0.00025%); highest among the groups gnomAD compares: Middle Eastern, 0.017%; no homozygotes.

Submissions (2):

Labcorp Genetics (formerly Invitae), Labcorp
Classification: Uncertain significance for Long QT syndrome. Last evaluated: 2023-07-06. Review status: criteria provided, single submitter. Criteria: Invitae Variant Classification Sherloc (09022015). Collection method: clinical testing. Allele origin: germline.
Comment: In summary, the available evidence is currently insufficient to determine the role of this variant in disease. Therefore, it has been classified as a Variant of Uncertain Significance. Advanced modeling of protein sequence and biophysical properties (such as structural, functional, and spatial information, amino acid conservation, physicochemical variation, residue mobility, and thermodynamic stability) has been performed at Invitae for this missense variant, however the output from this modeling did not meet the statistical confidence thresholds required to predict the impact of this variant on CACNA1C protein function. This sequence change replaces phenylalanine, which is neutral and non-polar, with leucine, which is neutral and non-polar, at codon 1703 of the CACNA1C protein (p.Phe1703Leu). This variant is not present in population databases (gnomAD no frequency). This variant has not been reported in the literature in individuals affected with CACNA1C-related conditions. ClinVar contains an entry for this variant (Variation ID: 1319953).

Clinical Genetics Laboratory, University Hospital Schleswig-Holstein
Classification: Uncertain significance for Timothy syndrome. Last evaluated: 2021-08-06. Review status: no assertion criteria provided. Collection method: clinical testing. Allele origin: germline. Affected: yes. Not counted in ClinVar's aggregate classification.

NM_000719.7(CACNA1C):c.5109C>G (p.Phe1703Leu)

Genes: CACNA1C (calcium voltage-gated channel subunit alpha1 C; plus strand), CACNA1C-AS1 (CACNA1C antisense RNA 1; minus strand). Cytogenetic location: 12p13.33.
Variant type: single nucleotide variant.
Coding change: c.5109C>G on transcript NM_000719.7 (MANE Select); coding-DNA position 5109, C replaced by G.
Protein change: p.Phe1703Leu; replaces phenylalanine 1703 with leucine.
Molecular consequence: missense variant.
Genome position (GRCh38, 1-based): chr12:2,679,461, C>G. VCF-style: chr12-2679461-C-G. GRCh37 (hg19) VCF-style: chr12-2788627-C-G.
Other names: c.5253C>G, p.Phe1751Leu (NM_001129827.2, NM_199460.4); c.5232C>G, p.Phe1744Leu (NM_001129829.2); c.5109C>G, p.Phe1703Leu (NM_001129830.3, NM_001129840.2, NM_001129841.2 and 4 more transcripts); c.5193C>G, p.Phe1731Leu (NM_001129831.2); c.5169C>G, p.Phe1723Leu (NM_001129832.2); c.5166C>G, p.Phe1722Leu (NM_001129833.2, NM_001129834.2, NM_001129835.2); c.5160C>G, p.Phe1720Leu (NM_001129836.2); c.5133C>G, p.Phe1711Leu (NM_001129837.2, NM_001129838.2); and 3 more; short protein forms F1692L, F1700L, F1703L, F1709L, F1711L, F1720L, F1722L, F1723L.
Identifiers: ClinVar variation 1319953 (VCV001319953.5), dbSNP rs767569416, ClinGen allele CA231610923.